The following is an entry in ClinVar:

NM_000255.4(MMUT):c.1170T>G (p.Phe390Leu)

Gene: MMUT (methylmalonyl-CoA mutase; minus strand). Cytogenetic location: 6p12.3.
Variant type: single nucleotide variant.
Coding change: c.1170T>G on transcript NM_000255.4 (MANE Select); coding-DNA position 1170, T replaced by G.
Protein change: p.Phe390Leu; replaces phenylalanine 390 with leucine.
Molecular consequence: missense variant.
Genome position (GRCh38, 1-based): chr6:49,451,628, A>C on the plus strand (T>G on the coding strand, the complement: MMUT is on the minus strand). VCF-style: chr6-49451628-A-C. GRCh37 (hg19) VCF-style: chr6-49419341-A-C.
Other names: short protein forms F390L.
Identifiers: ClinVar variation 2150074 (VCV002150074.1), dbSNP rs1250183702, ClinGen allele CA364398970.

ClinVar aggregate classification (germline): Uncertain significance (1 of 4 stars; one submission).

Allele frequency attached by ClinVar (database versions not stated): gnomAD exomes 0.00001; TOPMed 0.00001.
gnomAD v4.1: 3 of 1,614,152 alleles (0.00019%); highest among the groups gnomAD compares: Non-Finnish European, 0.00025%; no homozygotes.

Submission:

Labcorp Genetics (formerly Invitae), Labcorp
Classification: Uncertain significance. Last evaluated: 2022-04-23. Review status: criteria provided, single submitter. Criteria: Invitae Variant Classification Sherloc (09022015). Collection method: clinical testing. Allele origin: germline.
Comment: This sequence change replaces phenylalanine, which is neutral and non-polar, with leucine, which is neutral and non-polar, at codon 390 of the MUT protein (p.Phe390Leu). This variant is present in population databases (no rsID available, gnomAD 0.002%). This variant has not been reported in the literature in individuals affected with MUT-related conditions. Algorithms developed to predict the effect of missense changes on protein structure and function are either unavailable or do not agree on the potential impact of this missense change (SIFT: "Deleterious"; PolyPhen-2: "Benign"; Align-GVGD: "Class C0"). In summary, the available evidence is currently insufficient to determine the role of this variant in disease. Therefore, it has been classified as a Variant of Uncertain Significance.